The following is an entry in ClinVar:

ClinVar aggregate classification (germline): Likely pathogenic. Review status: criteria provided, multiple submitters, no conflicts (2 of 4 stars). 5 submissions from 5 submitters: Likely pathogenic (5). Last evaluated 2024-10-10.

Conditions:
Amyotrophic lateral sclerosis type 12 (ALS12). Also called: AMYOTROPHIC LATERAL SCLEROSIS 12 WITH OR WITHOUT FRONTOTEMPORAL DEMENTIA. Identifiers: Orphanet 803, MedGen C3150692, MONDO:0013264, OMIM 613435.
OPTN-related disorder. Also called: OPTN-related disorders; OPTN-related condition.
Primary open angle glaucoma (POAG). Also called: OPTN-related open angle glaucoma. Identifiers: MedGen C0339573, MONDO:0100553, OMIM 137760.
Glaucoma 1, open angle, E. Identifiers: MedGen C1842026, MONDO:0007665.

Allele frequency attached by ClinVar (database versions not stated): gnomAD exomes below 0.00001 and 0.00001; ExAC 0.00002.
gnomAD v4.1: 5 of 1,605,658 alleles (0.00031%); highest among the groups gnomAD compares: South Asian, 0.0055%; no homozygotes.

Submissions (5):

Victorian Clinical Genetics Services, Murdoch Childrens Research Institute
Classification: Likely pathogenic for Amyotrophic lateral sclerosis type 12. Last evaluated: 2024-10-10. Review status: criteria provided, single submitter. Criteria: ACMG Guidelines, 2015. Collection method: clinical testing. Allele origin: germline. Affected: yes.
Comment: Based on the classification scheme VCGS_Germline_v1.3.5, this variant is classified as Likely pathogenic. Following criteria are met: 0103 - Dominant negative and loss of function are known mechanisms of disease in this gene and are associated with Amyotrophic lateral sclerosis 12 with or without frontotemporal dementia (ALS-12) (MIM#613435) and Glaucoma 1, open angle, E (POAG)(MIM#137760). For ALS-12, mutations that impact the ubiquitin binding domain often exhibit a dominant negative effect, whereas mutations outside of this domain are typically associated with a loss of function mechanism (PMIDs: 25484089, 20428114). (I) 0108 - This gene is associated with both recessive and dominant disease. ALS-12 has been associated with both AR and AD inheritance (PMIDs: 20428114, 31108397), while POAG is linked to an AD inheritance pattern (OMIM). (I) 0112 - The condition associated with this gene has incomplete penetrance. Incomplete penetrance has been suggested for at least two mutations inherited in an autosomal dominant pattern in ALS-12 (PMIDs: 20428114, 31108397). (I) 0211 - Canonical splice site variant without proven consequence on splicing (no functional evidence available). (SP) 0252 - This variant is homozygous. (I) 0304 - Variant is present in gnomAD <0.01 (v4; 5 heterozygotes, 0 homozygotes). (SP) 0505 - Abnormal splicing is predicted by in silico tools and affected nucleotide is highly conserved. (SP) 0704 - Another canonical splice variant comparable to the one identified in this case has limited previous evidence for pathogenicity. c.780-1G>C has been reported once as likely pathogenic (ClinVar), and c.780-2A>G was observed in one individual with classical ALS (PMID: 31108397). (SP) 0802 - This variant has moderate previous evidence of pathogenicity in unrelated individuals. This variant has been reported three times as likely pathogenic (ClinVar). (SP) 0905 - No published segregation evidence has been identified for this variant. (I) 1007 - No published functional evidence has been identified for this variant. (I) 1208 - Inheritance information for this variant is not currently available in this individual. (I) Legend: (SP) - Supporting pathogenic, (I) - Information, (SB) - Supporting benign

Concord Molecular Medicine Laboratory, Concord Repatriation General Hospital
Classification: Likely pathogenic for Amyotrophic lateral sclerosis type 12. Last evaluated: 2024-01-03. Review status: criteria provided, single submitter. Criteria: ACMG Guidelines, 2015. Collection method: clinical testing. Allele origin: germline. Affected: yes. Observed: 1 homozygote.

Blueprint Genetics
Classification: Likely pathogenic for OPTN-related disorders. Last evaluated: 2023-07-21. Review status: criteria provided, single submitter. Criteria: ACMG Guidelines, 2015. Collection method: clinical testing. Allele origin: germline. Affected: yes. Observed: 1 variant allele.

Labcorp Genetics (formerly Invitae), Labcorp
Classification: Likely pathogenic for Primary open angle glaucoma; Glaucoma 1, open angle, E; Amyotrophic lateral sclerosis type 12. Last evaluated: 2023-01-09. Review status: criteria provided, single submitter. Criteria: Invitae Variant Classification Sherloc (09022015). Collection method: clinical testing. Allele origin: germline.
Comment: Algorithms developed to predict the effect of sequence changes on RNA splicing suggest that this variant may disrupt the consensus splice site. In summary, the currently available evidence indicates that the variant is pathogenic, but additional data are needed to prove that conclusively. Therefore, this variant has been classified as Likely Pathogenic. ClinVar contains an entry for this variant (Variation ID: 1676260). Disruption of this splice site has been observed in individual(s) with amyotrophic lateral sclerosis (PMID: 31108397). This variant is present in population databases (rs768117011, gnomAD 0.006%). This sequence change affects an acceptor splice site in intron 6 of the OPTN gene. It is expected to disrupt RNA splicing. Variants that disrupt the donor or acceptor splice site typically lead to a loss of protein function (PMID: 16199547), and loss-of-function variants in OPTN are known to be pathogenic (PMID: 20428114).

Molecular Genetics, Royal Melbourne Hospital
Classification: Likely pathogenic for Amyotrophic lateral sclerosis type 12. Last evaluated: 2021-08-10. Review status: criteria provided, single submitter. Criteria: ACMG Guidelines, 2015. Collection method: clinical testing. Allele origin: germline. Affected: yes.
Comment: This sequence change in OPTN occurs within the canonical splice acceptor site (-2) of intron 7. It is predicted to cause cryptic acceptor site usage resulting in a frameshift leading to nonsense mediated decay in a gene in which loss-of-function is an established disease mechanism (PMID: 20428114, 31108397). The highest population minor allele frequency in gnomAD v2.1 is 0.007% (2/30,612 alleles, 0 homozygotes) in the South Asian population, which is consistent with a recessive condition. To our knowledge, this variant has not been reported in the relevant medical literature. Based on the classification scheme RMH Modified ACMG Guidelines v1.4.0, this variant is classified as LIKELY PATHOGENIC. Following criteria are met: PVS1, PM2_Supporting.

Literature cited by the submitters: PubMed 20428114 (cited by 3 submitters); PubMed 25484089 (cited by Victorian Clinical Genetics Services, Murdoch Childrens Research Institute); PubMed 31108397 (cited by 3 submitters); PubMed 16199547 (cited by Labcorp Genetics (formerly Invitae), Labcorp).

NM_001008212.2(OPTN):c.780-2A>C

Gene: OPTN (optineurin; plus strand). Cytogenetic location: 10p13.
Variant type: single nucleotide variant.
Coding change: c.780-2A>C on transcript NM_001008212.2 (MANE Select); the canonical splice acceptor site of the intron before coding-DNA position 780, A replaced by C.
Molecular consequence: splice acceptor variant.
Genome position (GRCh38, 1-based): chr10:13,122,383, A>C. VCF-style: chr10-13122383-A-C. GRCh37 (hg19) VCF-style: chr10-13164383-A-C.
Other names: c.780-2A>C (NM_001008211.1, NM_001008213.1, NM_021980.4 and 1 more transcripts).
Identifiers: ClinVar variation 1676260 (VCV001676260.9), dbSNP rs768117011, ClinGen allele CA5410754.